The following is an entry in ClinVar:

NM_000051.4(ATM):c.8249dup (p.Leu2750fs)

Genes: ATM (ATM serine/threonine kinase; plus strand), C11orf65 (chromosome 11 open reading frame 65; minus strand). Cytogenetic location: 11q22.3.
Variant type: Duplication.
Coding change: c.8249dup on transcript NM_000051.4 (MANE Select); coding-DNA position 8249, one base duplicated (T; older notation c.8249dupT).
Protein change: p.Leu2750fs; shifts the reading frame from leucine 2750.
Molecular consequence: frameshift variant. On other transcripts: intron variant (2).
Genome position (GRCh38, 1-based): chr11:108,335,942, T duplicated; the last of 2 consecutive T bases (chr11:108,335,941-108,335,942); duplicating either gives the same sequence. VCF-style (leftmost placement, unchanged base first): chr11-108335940-A-AT. GRCh37 (hg19) VCF-style: chr11-108206667-A-AT.
Other names: c.8249dup, p.Leu2750fs (NM_001351834.2); c.641-26870dup (NM_001330368.2); c.695-649dup (NM_001351110.2); c.8249dupT (NM_000051.3); short protein forms L2750fs.
Identifiers: ClinVar variation 570368 (VCV000570368.8), dbSNP rs1565543844, ClinGen allele CA891842780.
Genomic context (GRCh38, chr11:108,335,940, plus strand): 5'-ACAGGTCTTCCAGATGTGTAATACATTACTGCAGAGAAACACGGAAACTAGGAAGAGGAA[A>AT]TTAACTATCTGTACTTATAAGGTAACTATTTGTACTTCTGTTAGTTCACCAAAAACATAT-3'

ClinVar aggregate classification (germline): Pathogenic (1 of 4 stars; one submission).

Conditions:
Ataxia-telangiectasia syndrome (AT). Also called: Cerebello-oculocutaneous telangiectasia; Immunodeficiency with ataxia telangiectasia; Ataxia-telangiectasia, complementation group E; Ataxia-telangiectasia, complementation group D; AT, COMPLEMENTATION GROUP C; ATAXIA-TELANGIECTASIA, COMPLEMENTATION GROUP A. Identifiers: Orphanet 100, MedGen C0004135, MONDO:0008840, OMIM 208900.

Submission:

Labcorp Genetics (formerly Invitae), Labcorp
Classification: Pathogenic for Ataxia-telangiectasia syndrome. Last evaluated: 2022-07-19. Review status: criteria provided, single submitter. Criteria: Invitae Variant Classification Sherloc (09022015). Collection method: clinical testing. Allele origin: germline.
Comment: For these reasons, this variant has been classified as Pathogenic. ClinVar contains an entry for this variant (Variation ID: 570368). This variant has not been reported in the literature in individuals affected with ATM-related conditions. This variant is not present in population databases (gnomAD no frequency). This sequence change creates a premature translational stop signal (p.Leu2750Phefs*7) in the ATM gene. It is expected to result in an absent or disrupted protein product. Loss-of-function variants in ATM are known to be pathogenic (PMID: 23807571, 25614872).

Literature cited by the submitters: PubMed 23807571; PubMed 25614872.